The following is an entry in ClinVar:

ClinVar aggregate classification (germline): Uncertain significance (1 of 4 stars; one submission).

Conditions:
ISL1-related disorder. Also called: ISL1-related condition.

Submission:

PreventionGenetics, part of Exact Sciences
Classification: Uncertain significance for ISL1-related condition. Last evaluated: 2025-12-19. Review status: criteria provided, single submitter. Criteria: ACMG Guidelines, 2015. Collection method: clinical testing. Allele origin: germline.
Comment: The ISL1 c.460C>T variant is predicted to result in the amino acid substitution p.Arg154Trp. To our knowledge, this variant has not been reported in the literature. This variant is reported in 0.0056% of alleles in individuals of East Asian descent in gnomAD. At this time, the clinical significance of this variant is uncertain due to the absence of conclusive functional and genetic evidence.

NM_002202.3(ISL1):c.460C>T (p.Arg154Trp)

Gene: ISL1 (ISL LIM homeobox 1; plus strand). Cytogenetic location: 5q11.1.
Variant type: single nucleotide variant.
Coding change: c.460C>T on transcript NM_002202.3 (MANE Select); coding-DNA position 460, C replaced by T.
Protein change: p.Arg154Trp; replaces arginine 154 with tryptophan.
Molecular consequence: missense variant.
Genome position (GRCh38, 1-based): chr5:51,387,731, C>T. VCF-style: chr5-51387731-C-T. GRCh37 (hg19) VCF-style: chr5-50683565-C-T.
Other names: short protein forms R154W.
Identifiers: ClinVar variation 4992250 (VCV004992250.1).
Genomic context (GRCh38, chr5:51,387,731, plus strand): 5'-GATGTGGTGGAGAGGGCCAGTCTAGGCGCTGGCGACCCGCTCAGTCCCCTGCATCCAGCG[C>T]GGCCACTGCAAATGGCAGGTACTCCTCTGCCCGGCTCGGGTAGGCAGGCGCCAGGTTAAG-3'
Protein context (NP_002193.2, residues 144-164): GDPLSPLHPA[Arg154Trp]PLQMAAEPIS